The following is an entry in ClinVar:

NM_170784.3(MKKS):c.746C>T (p.Ser249Phe)

Gene: MKKS (MKKS centrosomal shuttling protein; minus strand). Cytogenetic location: 20p12.2.
Variant type: single nucleotide variant.
Coding change: c.746C>T on transcript NM_170784.3 (MANE Select); coding-DNA position 746, C replaced by T.
Protein change: p.Ser249Phe; replaces serine 249 with phenylalanine.
Molecular consequence: missense variant.
Genome position (GRCh38, 1-based): chr20:10,412,769, G>A on the plus strand (C>T on the coding strand, the complement: MKKS is on the minus strand). VCF-style: chr20-10412769-G-A. GRCh37 (hg19) VCF-style: chr20-10393417-G-A.
Other names: c.746C>T, p.Ser249Phe (NM_018848.3); short protein forms S249F.
Identifiers: ClinVar variation 1717972 (VCV001717972.7), dbSNP rs2514495958, ClinGen allele CA408232436.

ClinVar aggregate classification (germline): Uncertain significance. Review status: criteria provided, multiple submitters, no conflicts (2 of 4 stars). 3 submissions from 3 submitters: Uncertain significance (3). Last evaluated 2026-06-05.

Conditions:
MKKS-related disorder. Also called: MKKS-related condition; MKKS-related disorders.
Bardet-Biedl syndrome (BBS). Identifiers: Orphanet 110, MedGen C0752166, MONDO:0015229.
McKusick-Kaufman syndrome (MKKS). Also called: HYDROMETROCOLPOS SYNDROME; HYDROMETROCOLPOS, POSTAXIAL POLYDACTYLY, AND CONGENITAL HEART MALFORMATION. Identifiers: Orphanet 2473, MedGen C0948368, MONDO:0009367, OMIM 236700.

Allele frequency attached by ClinVar (database versions not stated): gnomAD exomes below 0.00001.
gnomAD v4.1: 1 of 1,614,134 alleles (0.000062%); highest among the groups gnomAD compares: Non-Finnish European, 0.000085%; no homozygotes.

Submissions (3):

PreventionGenetics, part of Exact Sciences
Classification: Uncertain significance for MKKS-related condition. Last evaluated: 2026-06-05. Review status: criteria provided, single submitter. Criteria: ACMG Guidelines, 2015. Collection method: clinical testing. Allele origin: germline.
Comment: The MKKS c.746C>T variant is predicted to result in the amino acid substitution p.Ser249Phe. To our knowledge, this variant has not been reported in the literature or in a large population database (gnomAD), indicating this variant is rare. At this time, the clinical significance of this variant is uncertain due to the absence of conclusive functional and genetic evidence.

Labcorp Genetics (formerly Invitae), Labcorp
Classification: Uncertain significance for McKusick-Kaufman syndrome; Bardet-Biedl syndrome. Last evaluated: 2022-08-24. Review status: criteria provided, single submitter. Criteria: Invitae Variant Classification Sherloc (09022015). Collection method: clinical testing. Allele origin: germline.
Comment: In summary, the available evidence is currently insufficient to determine the role of this variant in disease. Therefore, it has been classified as a Variant of Uncertain Significance. Algorithms developed to predict the effect of missense changes on protein structure and function are either unavailable or do not agree on the potential impact of this missense change (SIFT: "Deleterious"; PolyPhen-2: "Probably Damaging"; Align-GVGD: "Class C15"). This variant has not been reported in the literature in individuals affected with MKKS-related conditions. This variant is not present in population databases (gnomAD no frequency). This sequence change replaces serine, which is neutral and polar, with phenylalanine, which is neutral and non-polar, at codon 249 of the MKKS protein (p.Ser249Phe).

Blueprint Genetics
Classification: Uncertain significance. Last evaluated: 2018-09-04. Review status: criteria provided, single submitter. Criteria: ACMG Guidelines, 2015. Collection method: clinical testing. Allele origin: germline.